The following is an entry in ClinVar:

ClinVar aggregate classification (germline): Benign (3 of 4 stars; one submission).

Conditions:
Breast-ovarian cancer, familial, susceptibility to, 1 (BROVCA1). Also called: BRCA1 Hereditary Breast and Ovarian Cancer; OVARIAN CANCER, SUSCEPTIBILITY TO. Identifiers: Orphanet 145, MedGen C2676676, MONDO:0011450, OMIM 604370. Disease mechanism: loss of function.

Submission:

Evidence-based Network for the Interpretation of Germline Mutant Alleles (ENIGMA)
Classification: Benign for Breast-ovarian cancer, familial 1. Last evaluated: 2015-01-12. Review status: reviewed by expert panel. Criteria: ENIGMA BRCA1/2 Classification Criteria (2015). Collection method: curation. Allele origin: germline.
Comment: Class 1 not pathogenic based on frequency >1% in an outbred sampleset. Frequency 0.03 (African), derived from 1000 genomes (2012-04-30).

NM_007294.4(BRCA1):c.4357+1513dup

Gene: BRCA1 (BRCA1 DNA repair associated; minus strand). Cytogenetic location: 17q21.31.
Variant type: Duplication.
Coding change: c.4357+1513dup on transcript NM_007294.4 (MANE Select); 1513 bases into the intron after coding-DNA position 4357, one base duplicated (T; older notation c.4357+1513dupT).
Molecular consequence: intron variant.
Genome position (GRCh38, 1-based): chr17:43,080,891, A duplicated on the plus strand (T on the coding strand, the reverse complement: BRCA1 is on the minus strand); the first of 10 consecutive A bases (chr17:43,080,891-43,080,900); duplicating any one gives the same sequence. VCF-style (leftmost placement, unchanged base first): chr17-43080890-T-TA. GRCh37 (hg19) VCF-style: chr17-41232907-T-TA.
Other names: IVS 13+1513insT; c.4357+1513_4357+1514insT (NM_007294.3); c.904+1513dup (NM_001408462.1, NM_001408469.1, NM_001408464.1 and 5 more transcripts); c.4357+1513dup (NM_001407623.1, NM_001407605.1, NM_001407619.1 and 18 more transcripts); c.4147+1513dup (NM_001407902.1, NM_001407882.1, NM_001407885.1 and 9 more transcripts); c.970+1513dup (NM_001408414.1, NM_001408411.1, NM_001408415.1 and 1 more transcripts); c.4279+1513dup (NM_001407655.1, NM_001407657.1, NM_001407654.1 and 2 more transcripts); c.4018+1513dup (NM_001407956.1); and 62 more.
Identifiers: ClinVar variation 209406 (VCV000209406.2), dbSNP rs200147389, ClinGen allele CA276378.